The following is an entry in ClinVar:

ClinVar aggregate classification (germline): Conflicting classifications of pathogenicity. Review status: criteria provided, conflicting classifications (1 of 4 stars). 8 submissions from 6 submitters: Uncertain significance (5); Likely benign (2). 1 of the submissions does not count toward it. Last evaluated 2024-07-24.

Conditions:
Acute febrile neutrophilic dermatosis (AFND). Also called: Sweet Syndrome; Gomm Button disease. Identifiers: Orphanet 3243, MedGen C0085077, MONDO:0011959, OMIM 608068.
Familial Mediterranean fever (FMF). Also called: POLYSEROSITIS, FAMILIAL PAROXYSMAL; POLYSEROSITIS, RECURRENT; Periodic peritonitis; Benign paroxysmal peritonitis. Identifiers: Orphanet 342, MedGen C0031069, MONDO:0018088, OMIM 249100. Disease mechanism: gain of function.
Familial Mediterranean fever, autosomal dominant. Also called: Dominant Familial Mediterranean Fever; FMF, AUTOSOMAL DOMINANT. Identifiers: Orphanet 342, MedGen C1851347, MONDO:0007601, OMIM 134610.

Allele frequency attached by ClinVar (database versions not stated): gnomAD exomes below 0.00001; ExAC 0.00001; gnomAD 0.00004; TOPMed 0.00004; ESP Exome Variant Server 0.00008.
gnomAD v4.1: 8 of 1,601,780 alleles (0.0005%); highest among the groups gnomAD compares: African/African-American, 0.0067%; no homozygotes.

Submissions (8):

Clinical Genomics Laboratory, Washington University in St. Louis
Classification: Uncertain significance for Familial Mediterranean fever. Last evaluated: 2024-07-24. Review status: criteria provided, single submitter. Criteria: ACMG Guidelines, 2015. Collection method: clinical testing. Allele origin: germline.
Comment: An MEFV c.1889C>T (p.Pro630Leu) variant was identified. This variant has been reported in an individual affected with familial mediterranean fever (Chandrakasan S et al., PMID: 24233262). This variant is only observed on 3/274,450 alleles in the general population (gnomAD v2.1.1), indicating it is not a common variant. This variant has been reported in the ClinVar database as a variant of uncertain significance by five submitters and a likely benign variant by two submitters (ClinVar Variation ID: 803182). Computational predictors indicate that the variant is damaging, evidence that may correlate with impact to MEFV function. Due to limited information, and based on ACMG/AMP guidelines for variant interpretation (Richards S et al., PMID: 25741868), the clinical significance of the MEFV c.1889C>T (p.Pro630Leu) variant is uncertain at this time.

Genome-Nilou Lab
Classification: Uncertain significance for Familial Mediterranean fever. Last evaluated: 2023-02-08. Review status: criteria provided, single submitter. Criteria: ACMG Guidelines, 2015. Collection method: clinical testing. Allele origin: germline.

Genome-Nilou Lab
Classification: Likely benign for Familial Mediterranean fever, autosomal dominant. Last evaluated: 2023-02-08. Review status: criteria provided, single submitter. Criteria: ACMG Guidelines, 2015. Collection method: clinical testing. Allele origin: germline.

Genome-Nilou Lab
Classification: Likely benign for Acute febrile neutrophilic dermatosis. Last evaluated: 2023-02-08. Review status: criteria provided, single submitter. Criteria: ACMG Guidelines, 2015. Collection method: clinical testing. Allele origin: germline.

Fulgent Genetics
Classification: Uncertain significance for Familial Mediterranean fever, autosomal dominant; Familial Mediterranean fever; Acute febrile neutrophilic dermatosis. Last evaluated: 2022-03-04. Review status: criteria provided, single submitter. Criteria: ACMG Guidelines, 2015. Collection method: clinical testing. Allele origin: unknown.

Labcorp Genetics (formerly Invitae), Labcorp
Classification: Uncertain significance for Familial Mediterranean fever. Last evaluated: 2021-08-31. Review status: criteria provided, single submitter. Criteria: Invitae Variant Classification Sherloc (09022015). Collection method: clinical testing. Allele origin: germline.
Comment: This sequence change replaces proline with leucine at codon 630 of the MEFV protein (p.Pro630Leu). The proline residue is moderately conserved and there is a moderate physicochemical difference between proline and leucine. This variant is present in population databases (rs376579860, ExAC 0.01%). This missense change has been observed in individual(s) with familial mediterranean fever (PMID: 24233262). Algorithms developed to predict the effect of missense changes on protein structure and function are either unavailable or do not agree on the potential impact of this missense change (SIFT: "Tolerated"; PolyPhen-2: "Probably Damaging"; Align-GVGD: "Class C0"). In summary, the available evidence is currently insufficient to determine the role of this variant in disease. Therefore, it has been classified as a Variant of Uncertain Significance.

Mendelics
Classification: Uncertain significance for Familial Mediterranean fever. Last evaluated: 2019-05-28. Review status: criteria provided, single submitter. Criteria: Mendelics Assertion Criteria 2017. Collection method: clinical testing. Allele origin: unknown.

Natera, Inc.
Classification: Uncertain significance for Familial Mediterranean fever. Last evaluated: 2020-10-06. Review status: no assertion criteria provided. Collection method: clinical testing. Allele origin: germline. Not counted in ClinVar's aggregate classification.

Literature cited by the submitters: PubMed 24233262 (cited by Labcorp Genetics (formerly Invitae), Labcorp).

NM_000243.3(MEFV):c.1889C>T (p.Pro630Leu)

Genes: MEFV (MEFV innate immunity regulator, pyrin; minus strand), LOC126862264 (CDK7 strongly-dependent group 2 enhancer GRCh37_chr16:3293322-3294521; plus strand). Cytogenetic location: 16p13.3.
Variant type: single nucleotide variant.
Coding change: c.1889C>T on transcript NM_000243.3 (MANE Select); coding-DNA position 1889, C replaced by T.
Protein change: p.Pro630Leu; replaces proline 630 with leucine.
Molecular consequence: missense variant. On other transcripts: 3 prime UTR variant (1).
Genome position (GRCh38, 1-based): chr16:3,243,598, G>A on the plus strand (C>T on the coding strand, the complement: MEFV is on the minus strand). VCF-style: chr16-3243598-G-A. GRCh37 (hg19) VCF-style: chr16-3293598-G-A.
Other names: c.*93C>T (NM_001198536.2); short protein forms P630L.
Identifiers: ClinVar variation 803182 (VCV000803182.14), dbSNP rs376579860, ClinGen allele CA7859901.